The following is an entry in ClinVar:

ClinVar aggregate classification (germline): Conflicting classifications of pathogenicity. Review status: criteria provided, conflicting classifications (1 of 4 stars). 3 submissions from 3 submitters: Uncertain significance (2); Likely benign (1). Last evaluated 2024-09-05.

Allele frequency attached by ClinVar (database versions not stated): TOPMed below 0.00001; ExAC 0.00001; gnomAD 0.00001; gnomAD exomes 0.00001.
gnomAD v4.1: 9 of 1,612,792 alleles (0.00056%); highest among the groups gnomAD compares: Middle Eastern, 0.082%; no homozygotes.

Submissions (3):

GeneDx
Classification: Uncertain significance. Last evaluated: 2024-09-05. Review status: criteria provided, single submitter. Criteria: GeneDx Variant Classification Process June 2021. Collection method: clinical testing. Allele origin: germline. Affected: yes.
Comment: Not observed at significant frequency in large population cohorts (gnomAD); Missense variant in a gene in which most reported pathogenic variants are truncating/loss of function; Has not been previously published as pathogenic or benign to our knowledge

Revvity Omics, Revvity
Classification: Uncertain significance. Last evaluated: 2024-01-16. Review status: criteria provided, single submitter. Criteria: ACMG Guidelines, 2015. Collection method: clinical testing. Allele origin: germline.

Blueprint Genetics
Classification: Likely benign. Last evaluated: 2021-11-24. Review status: criteria provided, single submitter. Criteria: ACMG Guidelines, 2015. Collection method: clinical testing. Allele origin: germline.

NM_001267550.2(TTN):c.52792G>C (p.Gly17598Arg)

Genes: TTN (titin; minus strand), TTN-AS1 (TTN antisense RNA 1; plus strand), LOC126806425 (BRD4-independent group 4 enhancer GRCh37_chr2:179471933-179473132; plus strand). Cytogenetic location: 2q31.2.
Variant type: single nucleotide variant.
Coding change: c.52792G>C on transcript NM_001267550.2 (MANE Select); coding-DNA position 52792, G replaced by C.
Protein change: p.Gly17598Arg; replaces glycine 17598 with arginine.
Molecular consequence: missense variant.
Genome position (GRCh38, 1-based): chr2:178,607,995, C>G on the plus strand (G>C on the coding strand, the complement: TTN is on the minus strand). VCF-style: chr2-178607995-C-G. GRCh37 (hg19) VCF-style: chr2-179472722-C-G.
Other names: p.G15957R:GGT>CGT; c.47869G>C, p.Gly15957Arg (NM_001256850.1); c.52792G>C (NM_001267550.1); c.25597G>C, p.Gly8533Arg (NM_003319.4); c.45088G>C, p.Gly15030Arg (NM_133378.4); c.25972G>C, p.Gly8658Arg (NM_133432.3); c.26173G>C, p.Gly8725Arg (NM_133437.4); short protein forms G15957R, G17598R, G8533R, G8658R, G8725R, G15030R.
Identifiers: ClinVar variation 202703 (VCV000202703.5), dbSNP rs771936047, ClinGen allele CA310031.